The following is an entry in ClinVar:

ClinVar aggregate classification (germline): Uncertain significance (1 of 4 stars; one submission).

Conditions:
Catecholaminergic polymorphic ventricular tachycardia (CVPT). Also called: Catecholamine-induced polymorphic ventricular tachycardia. Identifiers: Orphanet 3286, MedGen C5574922, MONDO:0017990.

Allele frequency attached by ClinVar (database versions not stated): gnomAD exomes below 0.00001.
gnomAD v4.1: 1 of 1,613,924 alleles (0.000062%); highest among the groups gnomAD compares: Non-Finnish European, 0.000085%; no homozygotes.

Submission:

All of Us Research Program, National Institutes of Health
Classification: Uncertain significance for Catecholaminergic polymorphic ventricular tachycardia. Last evaluated: 2023-11-30. Review status: criteria provided, single submitter. Criteria: ACMG Guidelines, 2015. Collection method: clinical testing. Allele origin: germline. Inheritance: Autosomal dominant inheritance. Observed: 1 variant allele, 1 heterozygote.
Comment: This study involves interpretation of variants in research participants for the purpose of population health screening. Participant phenotype was not available at the time of variant classification. Additional details can be found in publication PMID: 35346344, PMCID: PMC8962531

NM_001035.3(RYR2):c.3937G>A (p.Val1313Ile)

Genes: RYR2 (ryanodine receptor 2; plus strand), LOC126806067 (BRD4-independent group 4 enhancer GRCh37_chr1:237753258-237754457; plus strand). Cytogenetic location: 1q43.
Variant type: single nucleotide variant.
Coding change: c.3937G>A on transcript NM_001035.3 (MANE Select); coding-DNA position 3937, G replaced by A.
Protein change: p.Val1313Ile; replaces valine 1313 with isoleucine.
Molecular consequence: missense variant.
Genome position (GRCh38, 1-based): chr1:237,590,769, G>A. VCF-style: chr1-237590769-G-A. GRCh37 (hg19) VCF-style: chr1-237754069-G-A.
Other names: short protein forms V1313I.
Identifiers: ClinVar variation 3073977 (VCV003073977.1), dbSNP rs2546614635, ClinGen allele CA345397397.